The following is an entry in ClinVar:

NM_014844.5(TECPR2):c.952-3C>A

Gene: TECPR2 (tectonin beta-propeller repeat containing 2; plus strand). Cytogenetic location: 14q32.31.
Variant type: single nucleotide variant.
Coding change: c.952-3C>A on transcript NM_014844.5 (MANE Select); 3 bases into the intron before coding-DNA position 952, C replaced by A.
Molecular consequence: intron variant.
Genome position (GRCh38, 1-based): chr14:102,428,247, C>A. VCF-style: chr14-102428247-C-A. GRCh37 (hg19) VCF-style: chr14-102894584-C-A.
Other names: c.952-3C>A (NM_001172631.3).
Identifiers: ClinVar variation 3047641 (VCV003047641.2), dbSNP rs1484530326, ClinGen allele CA966711992.

ClinVar aggregate classification (germline): Likely benign (0 of 4 stars; one submission).

Conditions:
TECPR2-related disorder. Also called: TECPR2-related condition.

Submission:

PreventionGenetics, part of Exact Sciences
Classification: Likely benign for TECPR2-related condition. Last evaluated: 2023-12-31. Review status: no assertion criteria provided. Collection method: clinical testing. Allele origin: germline.
Comment: This variant is classified as likely benign based on ACMG/AMP sequence variant interpretation guidelines (Richards et al. 2015 PMID: 25741868, with internal and published modifications).